The following is an entry in ClinVar:

ClinVar aggregate classification (germline): Likely pathogenic (1 of 4 stars; one submission).

Conditions:
FAM177A1-related disorder.

Submission:

Undiagnosed Diseases Network, NIH
Classification: Likely pathogenic for FAM177A1-related disorder. Last evaluated: 2019-10-31. Review status: criteria provided, single submitter. Criteria: ACMG Guidelines, 2015. Collection method: clinical testing. Allele origin: paternal. Inheritance: Autosomal recessive inheritance. Affected: yes. Observed: 2 variant alleles, 1 compound heterozygote.

NC_000014.9:g.35077780_35087566del

Genes: FAM177A1 (family with sequence similarity 177 member A1; plus strand), PPP2R3C (protein phosphatase 2 regulatory subunit B''gamma; minus strand), LOC101927178 (uncharacterized LOC101927178; plus strand). Cytogenetic location: 14q13.2.
Variant type: Deletion.
Genome position: GRCh38: chr14:35,077,780-35,087,566. GRCh37 (hg19): chr14:35,546,986-35,556,772.
Identifiers: ClinVar variation 870577 (VCV000870577.4), ClinGen allele CA1139663441.